The following is an entry in ClinVar:

NM_000170.3(GLDC):c.*236G>T

Gene: GLDC (glycine decarboxylase; minus strand). Cytogenetic location: 9p24.1.
Variant type: single nucleotide variant.
Coding change: c.*236G>T on transcript NM_000170.3 (MANE Select); 236 bases downstream of the stop codon, G replaced by T.
Molecular consequence: 3 prime UTR variant.
Genome position (GRCh38, 1-based): chr9:6,532,781, C>A on the plus strand (G>T on the coding strand, the complement: GLDC is on the minus strand). VCF-style: chr9-6532781-C-A. GRCh37 (hg19) VCF-style: chr9-6532781-C-A.
Identifiers: ClinVar variation 912561 (VCV000912561.4), dbSNP rs537707294, ClinGen allele CA188643164.

ClinVar aggregate classification (germline): Likely benign (1 of 4 stars; one submission).

Conditions:
Glycine encephalopathy. Also called: Non-ketotic hyperglycinemia; Nonketotic hyperglycinemia. Identifiers: Orphanet 407, MedGen C0751748, MONDO:0011612, HP:0008288.

Allele frequency attached by ClinVar (database versions not stated): 1000 Genomes Project 0.00060; 1000 Genomes Project 30x 0.00062; gnomAD 0.00102 and 0.00103; TOPMed 0.00224.
gnomAD v4.1: 544 of 523,936 alleles (0.1%); highest among the groups gnomAD compares: Admixed American, 1.1%; 6 homozygotes.

Submission:

Illumina Laboratory Services, Illumina
Classification: Likely benign for Glycine encephalopathy 1. Last evaluated: 2018-01-12. Review status: criteria provided, single submitter. Criteria: ICSL Variant Classification Criteria 13 December 2019. Collection method: clinical testing. Allele origin: germline.
Comment: This variant was observed in the ICSL laboratory as part of a predisposition screen in an ostensibly healthy population. It had not been previously curated by ICSL or reported in the Human Gene Mutation Database (HGMD: prior to June 1st, 2018), and was therefore a candidate for classification through an automated scoring system. Utilizing variant allele frequency, disease prevalence and penetrance estimates, and inheritance mode, an automated score was calculated to assess if this variant is too frequent to cause the disease. Based on the score and internal cut-off values, a variant classified as likely benign is not then subjected to further curation. The score for this variant resulted in a classification of likely benign for this disease.